The following is an entry in ClinVar:

ClinVar aggregate classification (germline): Uncertain significance (1 of 4 stars; one submission).

Submission:

Labcorp Genetics (formerly Invitae), Labcorp
Classification: Uncertain significance. Last evaluated: 2022-03-14. Review status: criteria provided, single submitter. Criteria: Invitae Variant Classification Sherloc (09022015). Collection method: clinical testing. Allele origin: germline.
Comment: In summary, the available evidence is currently insufficient to determine the role of this variant in disease. Therefore, it has been classified as a Variant of Uncertain Significance. Algorithms developed to predict the effect of missense changes on protein structure and function (SIFT, PolyPhen-2, Align-GVGD) all suggest that this variant is likely to be tolerated. This variant has not been reported in the literature in individuals affected with ACVR1-related conditions. This variant is not present in population databases (gnomAD no frequency). This sequence change replaces isoleucine, which is neutral and non-polar, with valine, which is neutral and non-polar, at codon 14 of the ACVR1 protein (p.Ile14Val).

NM_001111067.4(ACVR1):c.40A>G (p.Ile14Val)

Gene: ACVR1 (activin A receptor type 1; minus strand). Cytogenetic location: 2q24.1.
Variant type: single nucleotide variant.
Coding change: c.40A>G on transcript NM_001111067.4 (MANE Select); coding-DNA position 40, A replaced by G.
Protein change: p.Ile14Val; replaces isoleucine 14 with valine.
Molecular consequence: missense variant.
Genome position (GRCh38, 1-based): chr2:157,799,454, T>C on the plus strand (A>G on the coding strand, the complement: ACVR1 is on the minus strand). VCF-style: chr2-157799454-T-C. GRCh37 (hg19) VCF-style: chr2-158655966-T-C.
Other names: c.40A>G, p.Ile14Val (NM_001105.5, NM_001347663.1, NM_001347664.1 and 3 more transcripts); short protein forms I14V.
Identifiers: ClinVar variation 2111700 (VCV002111700.4), dbSNP rs773936526, ClinGen allele CA349194153.